The following is an entry in ClinVar:

NM_001270974.2(HYDIN):c.11700G>A (p.Pro3900=)

Gene: HYDIN (HYDIN axonemal central pair apparatus protein; minus strand). Cytogenetic location: 16q22.2.
Variant type: single nucleotide variant.
Coding change: c.11700G>A on transcript NM_001270974.2 (MANE Select); coding-DNA position 11700, G replaced by A.
Protein change: p.Pro3900=; no amino-acid change (proline 3900 retained).
Molecular consequence: synonymous variant.
Genome position (GRCh38, 1-based): chr16:70,862,125, C>T on the plus strand (G>A on the coding strand, the complement: HYDIN is on the minus strand). VCF-style: chr16-70862125-C-T. GRCh37 (hg19) VCF-style: chr16-70896028-C-T.
Identifiers: ClinVar variation 4872521 (VCV004872521.2).

ClinVar aggregate classification (germline): Likely benign (1 of 4 stars; one submission).

gnomAD v4.1: 48 of 1,611,910 alleles (0.003%); highest among the groups gnomAD compares: Admixed American, 0.012%; no homozygotes.

Submission:

CeGaT Center for Human Genetics Tuebingen
Classification: Likely benign. Last evaluated: 2026-04-01. Review status: criteria provided, single submitter. Criteria: CeGaT Center For Human Genetics Tuebingen Variant Classification Criteria Version 2. Collection method: clinical testing. Allele origin: germline. Affected: yes. Observed: 1 variant allele.
Comment: HYDIN: BP4, BP7